The following is an entry in ClinVar:

NM_000179.3(MSH6):c.25A>C (p.Ser9Arg)

Gene: MSH6 (mutS homolog 6; plus strand). Cytogenetic location: 2p16.3.
Variant type: single nucleotide variant.
Coding change: c.25A>C on transcript NM_000179.3 (MANE Select); coding-DNA position 25, A replaced by C.
Protein change: p.Ser9Arg; replaces serine 9 with arginine.
Molecular consequence: missense variant. On other transcripts: 5 prime UTR variant (1).
Genome position (GRCh38, 1-based): chr2:47,783,258, A>C. VCF-style: chr2-47783258-A-C. GRCh37 (hg19) VCF-style: chr2-48010397-A-C.
Other names: c.25A>C, p.Ser9Arg (NM_001281492.2, NM_001406795.1, NM_001406796.1 and 9 more transcripts); c.-712A>C (NM_001281493.2, NM_001406811.1); c.-304A>C (NM_001406799.1); c.-31A>C (NM_001406804.1); c.-904A>C (NM_001406807.1); c.-559A>C (NM_001406812.1); c.-970A>C (NM_001406814.1); c.-515A>C (NM_001406816.1); short protein forms S9R.
Identifiers: ClinVar variation 1793635 (VCV001793635.2), dbSNP rs41294986, ClinGen allele CA346734504.

ClinVar aggregate classification (germline): Uncertain significance (1 of 4 stars; one submission).

Conditions:
Hereditary cancer-predisposing syndrome. Also called: Tumor predisposition; Hereditary Cancer Syndrome; Neoplastic Syndromes, Hereditary; Hereditary neoplastic syndrome. Identifiers: Orphanet 140162, MedGen C0027672, MeSH D009386, MONDO:0015356.

Submission:

Ambry Genetics
Classification: Uncertain significance for Hereditary cancer-predisposing syndrome. Last evaluated: 2022-10-17. Review status: criteria provided, single submitter. Criteria: Ambry Variant Classification Scheme 2023. Collection method: clinical testing. Allele origin: germline.
Comment: The p.S9R variant (also known as c.25A>C), located in coding exon 1 of the MSH6 gene, results from an A to C substitution at nucleotide position 25. The serine at codon 9 is replaced by arginine, an amino acid with dissimilar properties. This amino acid position is conserved. In addition, the in silico prediction for this alteration is inconclusive. Since supporting evidence is limited at this time, the clinical significance of this alteration remains unclear.